The following is an entry in ClinVar:

NM_004606.5(TAF1):c.3898C>G (p.Gln1300Glu)

Gene: TAF1 (TATA-box binding protein associated factor 1; plus strand). Cytogenetic location: Xq13.1.
Variant type: single nucleotide variant.
Coding change: c.3898C>G on transcript NM_004606.5 (MANE Select); coding-DNA position 3898, C replaced by G.
Protein change: p.Gln1300Glu; replaces glutamine 1300 with glutamic acid.
Molecular consequence: missense variant. On other transcripts: non-coding transcript variant (9).
Genome position (GRCh38, 1-based): chrX:71,401,639, C>G. VCF-style: chrX-71401639-C-G. GRCh37 (hg19) VCF-style: chrX-70621489-C-G.
Other names: c.3898C>G, p.Gln1300Glu (NM_001286074.2, NM_001440852.1, NM_001440853.1); c.3835C>G, p.Gln1279Glu (NM_001440854.1, NM_138923.4); short protein forms Q1279E, Q1300E.
Identifiers: ClinVar variation 4879781 (VCV004879781.1).
Genomic context (GRCh38, chrX:71,401,639, plus strand): 5'-TGCCCCCTCTATTATCAAACAAATGCGCCACCTTCCAACCCTGTTGCCATGACAGAAGAA[C>G]AGGAGGAGGAGTTGGAAAAGACAGTCATTCATAATGATAATGAAGAACTTATCAAGGTTG-3'
Protein context (NP_004597.3, residues 1290-1310): PSNPVAMTEE[Gln1300Glu]EEELEKTVIH

ClinVar aggregate classification (germline): Uncertain significance (1 of 4 stars; one submission).

Conditions:
Intellectual developmental disorder, X-linked, syndromic 33. Also called: Intellectual disability, X-linked, syndromic 33; X-linked intellectual disability-global development delay-facial dysmorphism-sacral caudal remnant syndrome. Identifiers: Orphanet 480907, MedGen C4225418, MONDO:0010500, OMIM 300966.

Submission:

Victorian Clinical Genetics Services, Murdoch Childrens Research Institute
Classification: Uncertain significance for Intellectual developmental disorder, X-linked, syndromic 33. Last evaluated: 2026-05-22. Review status: criteria provided, single submitter. Criteria: ACMG Guidelines, 2015. Collection method: clinical testing. Allele origin: germline. Affected: yes.
Comment: This variant is classified as VUS-3B. Evidence in support of pathogenic classification: Variant is absent from gnomAD (v2, v3 and v4); Missense variant in a region that is highly intolerant to missense variation (high constraint region in DECIPHER). Additional information: Variant is predicted to result in a missense amino acid change from Gln to Glu; This variant is hemizygous; This gene is associated with X-linked disease. Females with heterozygous variants can be asymptomatic, however, there have been reports of affected females, usually with a milder form of disease (PMID: 20301662, 36879111) - This variant has no previous evidence of pathogenicity; No published evidence of segregation with disease has been identified for this variant; No published functional evidence has been identified for this variant; No comparable missense variants have previous evidence for pathogenicity; Missense variant with inconclusive in silico prediction and/or uninformative conservation; Loss of function is a likely mechanism of disease in this gene and is associated with intellectual developmental disorder, X-linked, syndromic 33 (MIM#300966).

Literature cited by the submitters: PubMed 36879111; PubMed 20301662.